The following is an entry in ClinVar:

ClinVar aggregate classification (germline): Uncertain significance (1 of 4 stars; one submission).

Conditions:
Hypertrophic cardiomyopathy. Also called: HYPERTROPHIC MYOCARDIOPATHY. Identifiers: Orphanet 217569, MedGen C0007194, MeSH D002312, MONDO:0005045, HP:0001639.

Submission:

Labcorp Genetics (formerly Invitae), Labcorp
Classification: Uncertain significance for Hypertrophic cardiomyopathy. Last evaluated: 2024-07-06. Review status: criteria provided, single submitter. Criteria: Invitae Variant Classification Sherloc (09022015). Collection method: clinical testing. Allele origin: germline.
Comment: This sequence change replaces leucine, which is neutral and non-polar, with proline, which is neutral and non-polar, at codon 1315 of the MYH7 protein (p.Leu1315Pro). This variant is not present in population databases (gnomAD no frequency). This variant has not been reported in the literature in individuals affected with MYH7-related conditions. ClinVar contains an entry for this variant (Variation ID: 1362484). Advanced modeling of protein sequence and biophysical properties (such as structural, functional, and spatial information, amino acid conservation, physicochemical variation, residue mobility, and thermodynamic stability) performed at Invitae indicates that this missense variant is expected to disrupt MYH7 protein function with a positive predictive value of 95%. In summary, the available evidence is currently insufficient to determine the role of this variant in disease. Therefore, it has been classified as a Variant of Uncertain Significance.

NM_000257.4(MYH7):c.3944T>C (p.Leu1315Pro)

Gene: MYH7 (myosin heavy chain 7; minus strand). Cytogenetic location: 14q11.2.
Variant type: single nucleotide variant.
Coding change: c.3944T>C on transcript NM_000257.4 (MANE Select); coding-DNA position 3944, T replaced by C.
Protein change: p.Leu1315Pro; replaces leucine 1315 with proline.
Molecular consequence: missense variant.
Genome position (GRCh38, 1-based): chr14:23,419,205, A>G on the plus strand (T>C on the coding strand, the complement: MYH7 is on the minus strand). VCF-style: chr14-23419205-A-G. GRCh37 (hg19) VCF-style: chr14-23888414-A-G.
Other names: short protein forms L1315P.
Identifiers: ClinVar variation 1362484 (VCV001362484.8), dbSNP rs1892359761, ClinGen allele CA389041510.